The following is an entry in ClinVar:

NM_000218.3(KCNQ1):c.604+1G>A

Gene: KCNQ1 (potassium voltage-gated channel subfamily Q member 1; plus strand). Cytogenetic location: 11p15.5.
Variant type: single nucleotide variant.
Coding change: c.604+1G>A on transcript NM_000218.3 (MANE Select); the canonical splice donor site of the intron after coding-DNA position 604, G replaced by A.
Molecular consequence: splice donor variant. On other transcripts: intron variant (1).
Genome position (GRCh38, 1-based): chr11:2,570,755, G>A. VCF-style: chr11-2570755-G-A. GRCh37 (hg19) VCF-style: chr11-2591985-G-A.
Other names: c.334+1G>A (NM_001406837.1); c.604+1G>A (NM_001406836.1); c.478-12680G>A (NM_001406838.1); c.223+1G>A (NM_181798.2).
Identifiers: ClinVar variation 926958 (VCV000926958.6), dbSNP rs752670256, ClinGen allele CA038751.
Genomic context (GRCh38, chr11:2,570,755, plus strand): 5'-GCAAGTACGTGGGCCTCTGGGGGCGGCTGCGCTTTGCCCGGAAGCCCATTTCCATCATCG[G>A]TGAGTCATGCCTGCCCTGTGGAGGTCACGCCCAGGTTTCCAGACCAGGAAGGACCCCCAC-3'

ClinVar aggregate classification (germline): Likely pathogenic (1 of 4 stars; one submission).

Conditions:
Cardiac arrhythmia. Also called: Cardiac rhythm disease; Arrhythmia. Identifiers: MedGen C0003811, MONDO:0007263, HP:0011675.

Allele frequency attached by ClinVar (database versions not stated): ExAC 0.00001; gnomAD exomes below 0.00001.
gnomAD v4.1: 2 of 1,610,438 alleles (0.00012%); highest among the groups gnomAD compares: East Asian, 0.0022%; no homozygotes.

Submission:

Color Diagnostics, LLC DBA Color Health
Classification: Likely pathogenic for Cardiac arrhythmia. Last evaluated: 2020-02-09. Review status: criteria provided, single submitter. Criteria: ACMG Guidelines, 2015. Collection method: clinical testing. Allele origin: germline.
Comment: This variant causes a G>A nucleotide substitution at the canonical +1 position of intron 3 splice donor site of the KCNQ1 gene. Splice site prediction tools predict that this variant may have a significant impact on RNA splicing. To our knowledge, functional studies have not been performed for this variant. This variant has not been reported in individuals affected with cardiovascular disorders in the literature. This variant has been identified in 1/248312 chromosomes in the general population by the Genome Aggregation Database (gnomAD). Loss of KCNQ1 function is a known mechanism of disease. Based on the available evidence, this variant is classified as Likely Pathogenic.